The following is an entry in ClinVar:

NM_000900.5(MGP):c.296G>A (p.Arg99His)

Gene: MGP (matrix Gla protein; minus strand). Cytogenetic location: 12p12.3.
Variant type: single nucleotide variant.
Coding change: c.296G>A on transcript NM_000900.5 (MANE Select); coding-DNA position 296, G replaced by A.
Protein change: p.Arg99His; replaces arginine 99 with histidine.
Molecular consequence: missense variant.
Genome position (GRCh38, 1-based): chr12:14,882,155, C>T on the plus strand (G>A on the coding strand, the complement: MGP is on the minus strand). VCF-style: chr12-14882155-C-T. GRCh37 (hg19) VCF-style: chr12-15035089-C-T.
Other names: c.371G>A, p.Arg124His (NM_001190839.3); short protein forms R124H, R99H.
Identifiers: ClinVar variation 1386800 (VCV001386800.6), dbSNP rs368409379, ClinGen allele CA6465119.

ClinVar aggregate classification (germline): Uncertain significance (1 of 4 stars; one submission).

Allele frequency attached by ClinVar (database versions not stated): gnomAD exomes 0.00002; gnomAD 0.00003; ExAC 0.00004; ESP Exome Variant Server 0.00008.
gnomAD v4.1: 37 of 1,613,834 alleles (0.0023%); highest among the groups gnomAD compares: Admixed American, 0.005%; no homozygotes.

Submission:

Labcorp Genetics (formerly Invitae), Labcorp
Classification: Uncertain significance. Last evaluated: 2025-03-26. Review status: criteria provided, single submitter. Criteria: Invitae Variant Classification Sherloc (09022015). Collection method: clinical testing. Allele origin: germline.
Comment: This sequence change replaces arginine, which is basic and polar, with histidine, which is basic and polar, at codon 99 of the MGP protein (p.Arg99His). This variant is present in population databases (rs368409379, gnomAD 0.006%). This missense change has been observed in individual(s) with clinical features of a developmental disorder (PMID: 33057194). ClinVar contains an entry for this variant (Variation ID: 1386800). An algorithm developed to predict the effect of missense changes on protein structure and function (PolyPhen-2) suggests that this variant is likely to be disruptive. In summary, the available evidence is currently insufficient to determine the role of this variant in disease. Therefore, it has been classified as a Variant of Uncertain Significance.

Literature cited by the submitters: PubMed 33057194.